The following is an entry in ClinVar:

ClinVar aggregate classification (germline): Likely pathogenic. Review status: criteria provided, multiple submitters, no conflicts (2 of 4 stars). 3 submissions from 3 submitters: Likely pathogenic (2). 1 of the submissions does not count toward it. Last evaluated 2021-07-12.

Conditions:
Turnpenny-fry syndrome. Also called: NEUROCARDIOSKELETAL SYNDROME. Identifiers: Orphanet 688642, MedGen C5193060, MONDO:0032707, OMIM 618371.
Inborn genetic diseases. Identifiers: MedGen C0950123, MeSH D030342.

Submissions (3):

Ambry Genetics
Classification: Likely pathogenic for Inborn genetic diseases. Last evaluated: 2021-07-12. Review status: criteria provided, single submitter. Criteria: Ambry Variant Classification Scheme 2023. Collection method: clinical testing. Allele origin: germline.
Comment: The c.193C>T (p.P65S) alteration is located in exon 4 (coding exon 2) of the PCGF2 gene. This alteration results from a C to T substitution at nucleotide position 193, causing the proline (P) at amino acid position 65 to be replaced by a serine (S). Based on data from the Genome Aggregation Database (gnomAD), the PCGF2 c.193C>T alteration was not observed, with coverage at this position. This alteration was observed de novo in twin siblings with dysmorphic features, kyphosis, scoliosis, patent ductus arteriosus, moderate intellectual disability, developmental delay, ADHD, mild diplegia, and abnormal MRI of abnormal white matter and bilateral extensive polymicrogyria. Another alteration at the same codon, p.P65L (c.194C>T), has been described to occur de novo in multiple individuals with a recognizable facial gestalt, intellectual disability, feeding problems, impaired growth, and a range of brain, cardiovascular, and skeletal abnormalities (Turnpenny, 2018). This amino acid position is highly conserved in available vertebrate species. The p.P65S alteration is predicted to be tolerated by in silico analysis. Based on the available evidence, this alteration is classified as likely pathogenic.

SIB Swiss Institute of Bioinformatics
Classification: Likely pathogenic for Turnpenny-fry syndrome. Last evaluated: 2019-07-16. Review status: criteria provided, single submitter. Criteria: ACMG Guidelines, 2015. Collection method: curation. Allele origin: unknown.
Comment: This variant is interpreted as a Likely pathogenic for Turnpenny-Fry syndrome, autosomal dominant. The following ACMG Tag(s) were applied: PM2, PM5, PM6.

OMIM
Classification: Pathogenic for TURNPENNY-FRY SYNDROME. Last evaluated: 2019-03-28. Review status: no assertion criteria provided. Collection method: literature only. Allele origin: germline. Not counted in ClinVar's aggregate classification.

Literature cited by the submitters: PubMed 30343942 (cited by 3 submitters).

NM_007144.3(PCGF2):c.193C>T (p.Pro65Ser)

Gene: PCGF2 (polycomb group ring finger 2; minus strand). Cytogenetic location: 17q12.
Variant type: single nucleotide variant.
Coding change: c.193C>T on transcript NM_007144.3 (MANE Select); coding-DNA position 193, C replaced by T.
Protein change: p.Pro65Ser; replaces proline 65 with serine.
Molecular consequence: missense variant.
Genome position (GRCh38, 1-based): chr17:38,739,602, G>A on the plus strand (C>T on the coding strand, the complement: PCGF2 is on the minus strand). VCF-style: chr17-38739602-G-A. GRCh37 (hg19) VCF-style: chr17-36895855-G-A.
Other names: c.193C>T, p.Pro65Ser (NM_001369614.1, NM_001369615.1); short protein forms P65S.
Identifiers: ClinVar variation 624617 (VCV000624617.4), dbSNP rs1567941256, ClinGen allele CA398822423.